The following is an entry in ClinVar:

NM_018979.4(WNK1):c.5629T>A (p.Ser1877Thr)

Gene: WNK1 (WNK lysine deficient protein kinase 1; plus strand). Cytogenetic location: 12p13.33.
Variant type: single nucleotide variant.
Coding change: c.5629T>A on transcript NM_018979.4 (MANE Select); coding-DNA position 5629, T replaced by A.
Protein change: p.Ser1877Thr; replaces serine 1877 with threonine.
Molecular consequence: missense variant.
Genome position (GRCh38, 1-based): chr12:896,116, T>A. VCF-style: chr12-896116-T-A. GRCh37 (hg19) VCF-style: chr12-1005282-T-A.
Other names: c.6409T>A, p.Ser2137Thr (NM_001184985.2); c.4885T>A, p.Ser1629Thr (NM_014823.3); c.6385T>A, p.Ser2129Thr (NM_213655.5); short protein forms S1629T, S1877T, S2129T, S2137T.
Identifiers: ClinVar variation 3753290 (VCV003753290.2).

ClinVar aggregate classification (germline): Uncertain significance (1 of 4 stars; one submission).

Conditions:
Neuropathy, hereditary sensory and autonomic, type 2A (HSAN2A). Also called: ACROOSTEOLYSIS, GIACCAI TYPE; ACROOSTEOLYSIS, NEUROGENIC; MORVAN DISEASE; NEUROPATHY, CONGENITAL SENSORY; NEUROPATHY, HEREDITARY SENSORY RADICULAR, AUTOSOMAL RECESSIVE; NEUROPATHY, HEREDITARY SENSORY, TYPE IIA. Identifiers: Orphanet 970, MedGen C2752089, MONDO:0024309, OMIM 201300.
Pseudohypoaldosteronism type 2C (PHA2C). Also called: Pseudohypoaldosteronism Type IIC. Identifiers: Orphanet 757, Orphanet 88940, MedGen C1840391, MONDO:0013778, OMIM 614492.

gnomAD v4.1: 1 of 1,614,240 alleles (0.000062%); highest among the groups gnomAD compares: Non-Finnish European, 0.000085%; no homozygotes.

Submission:

Labcorp Genetics (formerly Invitae), Labcorp
Classification: Uncertain significance for Neuropathy, hereditary sensory and autonomic, type 2A; Pseudohypoaldosteronism type 2C. Last evaluated: 2024-07-20. Review status: criteria provided, single submitter. Criteria: Invitae Variant Classification Sherloc (09022015). Collection method: clinical testing. Allele origin: germline.
Comment: This sequence change replaces serine, which is neutral and polar, with threonine, which is neutral and polar, at codon 2129 of the WNK1 protein (p.Ser2129Thr). This variant is not present in population databases (gnomAD no frequency). This variant has not been reported in the literature in individuals affected with WNK1-related conditions. Advanced modeling of protein sequence and biophysical properties (such as structural, functional, and spatial information, amino acid conservation, physicochemical variation, residue mobility, and thermodynamic stability) performed at Invitae indicates that this missense variant is not expected to disrupt WNK1 protein function with a negative predictive value of 95%. In summary, the available evidence is currently insufficient to determine the role of this variant in disease. Therefore, it has been classified as a Variant of Uncertain Significance.